The following is an entry in ClinVar:

ClinVar aggregate classification (germline): Uncertain significance (1 of 4 stars; one submission).

Conditions:
Joubert syndrome 21 (JBTS21). Identifiers: MedGen C3810212, MONDO:0014288, OMIM 615636.

Allele frequency attached by ClinVar (database versions not stated): gnomAD exomes below 0.00001.
gnomAD v4.1: 2 of 1,612,724 alleles (0.00012%); highest among the groups gnomAD compares: Non-Finnish European, 0.00017%; no homozygotes.

Submission:

Labcorp Genetics (formerly Invitae), Labcorp
Classification: Uncertain significance for Joubert syndrome 21. Last evaluated: 2017-11-20. Review status: criteria provided, single submitter. Criteria: Invitae Variant Classification Sherloc (09022015). Collection method: clinical testing. Allele origin: germline.
Comment: This sequence change replaces serine with glycine at codon 159 of the CSPP1 protein (p.Ser159Gly). The serine residue is weakly conserved and there is a small physicochemical difference between serine and glycine. This variant is not present in population databases (ExAC no frequency) and has not been reported in the literature in individuals with a CSPP1-related disease. Algorithms developed to predict the effect of missense changes on protein structure and function (SIFT, PolyPhen-2, Align-GVGD) all suggest that this variant is likely to be tolerated, but these predictions have not been confirmed by published functional studies. In summary, this variant is a novel missense change that is not predicted to affect protein function. There is no indication that it causes disease, but the available evidence is currently insufficient to prove that conclusively. Therefore, it has been classified as a Variant of Uncertain Significance.

NM_001382391.1(CSPP1):c.448A>G (p.Ser150Gly)

Gene: CSPP1 (centrosome and spindle pole associated protein 1; plus strand). Cytogenetic location: 8q13.1.
Variant type: single nucleotide variant.
Coding change: c.448A>G on transcript NM_001382391.1 (MANE Select); coding-DNA position 448, A replaced by G.
Protein change: p.Ser150Gly; replaces serine 150 with glycine.
Molecular consequence: missense variant. On other transcripts: 5 prime UTR variant (1).
Genome position (GRCh38, 1-based): chr8:67,093,606, A>G. VCF-style: chr8-67093606-A-G. GRCh37 (hg19) VCF-style: chr8-68005841-A-G.
Other names: c.-408A>G (NM_001291339.2); c.367A>G, p.Ser123Gly (NM_001363131.2, NM_001363133.2); c.448A>G, p.Ser150Gly (NM_001363132.2); c.556A>G, p.Ser186Gly (NM_001364869.1); c.475A>G, p.Ser159Gly (NM_001364870.1, NM_024790.7); short protein forms S159G, S123G, S150G, S186G.
Identifiers: ClinVar variation 474854 (VCV000474854.1), dbSNP rs1554569071, ClinGen allele CA371189148.